The following is an entry in ClinVar:

NM_001734.5(C1S):c.397A>C (p.Asn133His)

Gene: C1S (complement C1s; plus strand). Cytogenetic location: 12p13.31.
Variant type: single nucleotide variant.
Coding change: c.397A>C on transcript NM_001734.5 (MANE Select); coding-DNA position 397, A replaced by C.
Protein change: p.Asn133His; replaces asparagine 133 with histidine.
Molecular consequence: missense variant. On other transcripts: 5 prime UTR variant (1).
Genome position (GRCh38, 1-based): chr12:7,064,272, A>C. VCF-style: chr12-7064272-A-C. GRCh37 (hg19) VCF-style: chr12-7171576-A-C.
Other names: c.-105A>C (NM_001346850.2); c.397A>C, p.Asn133His (NM_201442.4); short protein forms N133H.
Identifiers: ClinVar variation 4809635 (VCV004809635.1).

ClinVar aggregate classification (germline): Uncertain significance (1 of 4 stars; one submission).

gnomAD v4.1: 2 of 1,613,924 alleles (0.00012%); highest among the groups gnomAD compares: Non-Finnish European, 0.00017%; no homozygotes.

Submission:

Labcorp Genetics (formerly Invitae), Labcorp
Classification: Uncertain significance. Last evaluated: 2025-05-14. Review status: criteria provided, single submitter. Criteria: Invitae Variant Classification Sherloc (09022015). Collection method: clinical testing. Allele origin: germline.
Comment: This sequence change replaces asparagine, which is neutral and polar, with histidine, which is basic and polar, at codon 133 of the C1S protein (p.Asn133His). This variant is not present in population databases (gnomAD no frequency). This variant has not been reported in the literature in individuals affected with C1S-related conditions. An algorithm developed to predict the effect of missense changes on protein structure and function (PolyPhen-2) suggests that this variant is likely to be disruptive. In summary, the available evidence is currently insufficient to determine the role of this variant in disease. Therefore, it has been classified as a Variant of Uncertain Significance.